The following is an entry in ClinVar:

NM_001130987.2(DYSF):c.2387G>A (p.Arg796His)

Gene: DYSF (dysferlin; plus strand). Cytogenetic location: 2p13.2.
Variant type: single nucleotide variant.
Coding change: c.2387G>A on transcript NM_001130987.2 (MANE Select); coding-DNA position 2387, G replaced by A.
Protein change: p.Arg796His; replaces arginine 796 with histidine.
Molecular consequence: missense variant.
Genome position (GRCh38, 1-based): chr2:71,561,922, G>A. VCF-style: chr2-71561922-G-A. GRCh37 (hg19) VCF-style: chr2-71789052-G-A.
Other names: c.2336G>A, p.Arg779His (NM_001130455.2, NM_001130983.2); c.2291G>A, p.Arg764His (NM_001130976.2, NM_001130977.2); c.2333G>A, p.Arg778His (NM_001130978.2, NM_003494.4); c.2426G>A, p.Arg809His (NM_001130979.2); c.2384G>A, p.Arg795His (NM_001130980.2, NM_001130981.2); c.2429G>A, p.Arg810His (NM_001130982.2); c.2294G>A, p.Arg765His (NM_001130984.2, NM_001130986.2); c.2387G>A, p.Arg796His (NM_001130985.2); short protein forms R764H, R779H, R795H, R809H, R778H, R810H, R765H, R796H.
Identifiers: ClinVar variation 706302 (VCV000706302.13), dbSNP rs185891286, ClinGen allele CA1706133.

ClinVar aggregate classification (germline): Conflicting classifications of pathogenicity. Review status: criteria provided, conflicting classifications (1 of 4 stars). 3 submissions from 3 submitters: Uncertain significance (1); Likely benign (1). 1 of the submissions does not count toward it. Last evaluated 2026-01-21.

Conditions:
Autosomal recessive limb-girdle muscular dystrophy type 2B (LGMDR2). Also called: MUSCULAR DYSTROPHY, LIMB-GIRDLE, AUTOSOMAL RECESSIVE 2; MUSCULAR DYSTROPHY, LIMB-GIRDLE, TYPE 3; Limb-Girdle Muscular Dystrophy Type 2B (LGMD2B); Limb-girdle muscular dystrophy, type 2B. Identifiers: Orphanet 268, MedGen C1850889, MONDO:0009676, OMIM 253601.
Neuromuscular disease caused by qualitative or quantitative defects of dysferlin. Also called: Qualitative or quantitative defects of dysferlin; Dysferlinopathy. Identifiers: Orphanet 207073, MedGen C2931687, MONDO:0016145.

Allele frequency attached by ClinVar (database versions not stated): gnomAD 0.00011 and 0.00013; ESP Exome Variant Server 0.00015; 1000 Genomes Project 30x 0.00016; TOPMed 0.00018; 1000 Genomes Project 0.00020; ExAC 0.00026; gnomAD exomes 0.00026.
gnomAD v4.1: 200 of 1,614,018 alleles (0.012%); highest among the groups gnomAD compares: East Asian, 0.1%; no homozygotes.

Submissions (3):

Labcorp Genetics (formerly Invitae), Labcorp
Classification: Likely benign for Neuromuscular disease caused by qualitative or quantitative defects of dysferlin. Last evaluated: 2026-01-21. Review status: criteria provided, single submitter. Criteria: Invitae Variant Classification Sherloc (09022015). Collection method: clinical testing. Allele origin: germline.

GeneDx
Classification: Uncertain significance. Last evaluated: 2024-08-20. Review status: criteria provided, single submitter. Criteria: GeneDx Variant Classification Process June 2021. Collection method: clinical testing. Allele origin: germline. Affected: yes.
Comment: In silico analysis supports that this missense variant has a deleterious effect on protein structure/function; Previously reported as a variant of uncertain significance in a cohort of individuals with a dysferlinopathy; clinical details and segregation data were not provided (PMID: 34559919); This variant is associated with the following publications: (PMID: 34559919)

Natera, Inc.
Classification: Uncertain significance for Limb-girdle muscular dystrophy type 2B. Last evaluated: 2020-01-24. Review status: no assertion criteria provided. Collection method: clinical testing. Allele origin: germline. Not counted in ClinVar's aggregate classification.